The following is an entry in ClinVar:

NM_006939.4(SOS2):c.1303A>G (p.Ile435Val)

Gene: SOS2 (SOS Ras/Rho guanine nucleotide exchange factor 2; minus strand). Cytogenetic location: 14q21.3.
Variant type: single nucleotide variant.
Coding change: c.1303A>G on transcript NM_006939.4 (MANE Select); coding-DNA position 1303, A replaced by G.
Protein change: p.Ile435Val; replaces isoleucine 435 with valine.
Molecular consequence: missense variant.
Genome position (GRCh38, 1-based): chr14:50,159,980, T>C on the plus strand (A>G on the coding strand, the complement: SOS2 is on the minus strand). VCF-style: chr14-50159980-T-C. GRCh37 (hg19) VCF-style: chr14-50626698-T-C.
Other names: c.1204A>G, p.Ile402Val (NM_001411020.1); short protein forms I435V, I402V.
Identifiers: ClinVar variation 3653840 (VCV003653840.2).
Genomic context (GRCh38, chr14:50,159,980, plus strand): 5'-GTTTGGCACCGATTCTTGTCAATGGTCCCTCCATAATGAATTCATTACAACACTGTCCAA[T>C]ATCTTTGCCTTCCCATCCATCGATATTTTTCTGAATTTCATTCATTTTTTTGATAGCCAG-3'
Protein context (NP_008870.2, residues 425-445): KNIDGWEGKD[Ile435Val]GQCCNEFIME

ClinVar aggregate classification (germline): Uncertain significance (1 of 4 stars; one submission).

Conditions:
Noonan syndrome 9 (NS9). Identifiers: Orphanet 648, MedGen C4225282, MONDO:0014691, OMIM 616559.

gnomAD v4.1: 1 of 1,614,136 alleles (0.000062%); highest among the groups gnomAD compares: South Asian, 0.0011%; no homozygotes.

Submission:

Labcorp Genetics (formerly Invitae), Labcorp
Classification: Uncertain significance for Noonan syndrome 9. Last evaluated: 2024-05-19. Review status: criteria provided, single submitter. Criteria: Invitae Variant Classification Sherloc (09022015). Collection method: clinical testing. Allele origin: germline.
Comment: This sequence change replaces isoleucine, which is neutral and non-polar, with valine, which is neutral and non-polar, at codon 435 of the SOS2 protein (p.Ile435Val). This variant is not present in population databases (gnomAD no frequency). This variant has not been reported in the literature in individuals affected with SOS2-related conditions. Advanced modeling of protein sequence and biophysical properties (such as structural, functional, and spatial information, amino acid conservation, physicochemical variation, residue mobility, and thermodynamic stability) performed at Invitae indicates that this missense variant is not expected to disrupt SOS2 protein function with a negative predictive value of 80%. In summary, the available evidence is currently insufficient to determine the role of this variant in disease. Therefore, it has been classified as a Variant of Uncertain Significance.